The following is an entry in ClinVar:

NM_017739.4(POMGNT1):c.1855A>T (p.Asn619Tyr)

Genes: POMGNT1 (protein O-linked mannose N-acetylglucosaminyltransferase 1 (beta 1,2-); minus strand), TSPAN1 (tetraspanin 1; plus strand). Cytogenetic location: 1p34.1.
Variant type: single nucleotide variant.
Coding change: c.1855A>T on transcript NM_017739.4 (MANE Select); coding-DNA position 1855, A replaced by T.
Protein change: p.Asn619Tyr; replaces asparagine 619 with tyrosine.
Molecular consequence: missense variant.
Genome position (GRCh38, 1-based): chr1:46,189,498, T>A on the plus strand (A>T on the coding strand, the complement: POMGNT1 is on the minus strand). VCF-style: chr1-46189498-T-A. GRCh37 (hg19) VCF-style: chr1-46655170-T-A.
Other names: c.1855A>T, p.Asn619Tyr (NM_001243766.2, NM_001410783.1); c.1789A>T, p.Asn597Tyr (NM_001290129.3); c.1426A>T, p.Asn476Tyr (NM_001290130.2); short protein forms N619Y, N476Y, N597Y.
Identifiers: ClinVar variation 452605 (VCV000452605.18), dbSNP rs374401585, ClinGen allele CA833214.

ClinVar aggregate classification (germline): Uncertain significance. Review status: criteria provided, multiple submitters, no conflicts (2 of 4 stars). 7 submissions from 7 submitters: Uncertain significance (6). 1 of the submissions does not count toward it. Last evaluated 2025-11-02.

Conditions:
Inborn genetic diseases. Identifiers: MedGen C0950123, MeSH D030342.
Muscular dystrophy-dystroglycanopathy (congenital with impaired intellectual development), type B, 3. Also called: Muscular dystrophy-dystroglycanopathy (congenital with intellectual disability), type B3; MUSCULAR DYSTROPHY, CONGENITAL, POMGNT1-RELATED. Identifiers: MedGen C3150412, MONDO:0013155, OMIM 613151.
Autosomal recessive limb-girdle muscular dystrophy type 2O. Also called: Limb-Girdle Muscular Dystrophy Type 3C; MUSCULAR DYSTROPHY-DYSTROGLYCANOPATHY (LIMB-GIRDLE), TYPE C, 3; MUSCULAR DYSTROPHY-DYSTROGLYCANOPATHY, LIMB-GIRDLE, POMGNT1-RELATED. Identifiers: Orphanet 206564, MedGen C3150417, MONDO:0013161, OMIM 613157.
Muscle eye brain disease (MEB). Also called: Santavuori congenital muscular dystrophy. Identifiers: Orphanet 588, Orphanet 899, MedGen C0457133, MONDO:0018939.

Allele frequency attached by ClinVar (database versions not stated): gnomAD 0.00003 and 0.00004; ExAC 0.00007; ESP Exome Variant Server 0.00008; TOPMed 0.00002; gnomAD exomes 0.00002 and 0.00005.
gnomAD v4.1: 38 of 1,613,574 alleles (0.0024%); highest among the groups gnomAD compares: Middle Eastern, 0.016%; no homozygotes.

Submissions (7):

GeneDx
Classification: Uncertain significance. Last evaluated: 2025-11-02. Review status: criteria provided, single submitter. Criteria: GeneDx Variant Classification Process June 2021. Collection method: clinical testing. Allele origin: germline. Affected: yes.
Comment: Not observed at significant frequency in large population cohorts (gnomAD); In silico analysis supports that this missense variant has a deleterious effect on protein structure/function; Has not been previously published as pathogenic or benign to our knowledge; This variant is associated with the following publications: (PMID: 24282183, 30564623)

Ambry Genetics
Classification: Uncertain significance for Inborn genetic diseases. Last evaluated: 2025-04-03. Review status: criteria provided, single submitter. Criteria: Ambry Variant Classification Scheme 2023. Collection method: clinical testing. Allele origin: germline.

Labcorp Genetics (formerly Invitae), Labcorp
Classification: Uncertain significance for Autosomal recessive limb-girdle muscular dystrophy type 2O; Muscular dystrophy-dystroglycanopathy (congenital with impaired intellectual development), type B, 3. Last evaluated: 2022-03-19. Review status: criteria provided, single submitter. Criteria: Invitae Variant Classification Sherloc (09022015). Collection method: clinical testing. Allele origin: germline.
Comment: This sequence change replaces asparagine, which is neutral and polar, with tyrosine, which is neutral and polar, at codon 619 of the POMGNT1 protein (p.Asn619Tyr). This variant is present in population databases (rs374401585, gnomAD 0.01%). This variant has not been reported in the literature in individuals affected with POMGNT1-related conditions. ClinVar contains an entry for this variant (Variation ID: 452605). Advanced modeling of protein sequence and biophysical properties (such as structural, functional, and spatial information, amino acid conservation, physicochemical variation, residue mobility, and thermodynamic stability) performed at Invitae indicates that this missense variant is not expected to disrupt POMGNT1 protein function. In summary, the available evidence is currently insufficient to determine the role of this variant in disease. Therefore, it has been classified as a Variant of Uncertain Significance.

Revvity Omics, Revvity
Classification: Uncertain significance. Last evaluated: 2020-07-06. Review status: criteria provided, single submitter. Criteria: ACMG Guidelines, 2015. Collection method: clinical testing. Allele origin: germline.

Centre for Mendelian Genomics, University Medical Centre Ljubljana
Classification: Uncertain significance for Autosomal recessive limb-girdle muscular dystrophy type 2O. Last evaluated: 2019-02-21. Review status: criteria provided, single submitter. Criteria: ACMG Guidelines, 2015. Collection method: clinical testing. Allele origin: unknown. Affected: yes.
Comment: This variant was classified as: Uncertain significance. The following ACMG criteria were applied in classifying this variant: PM1,PPM2,PP3.

Eurofins Ntd Llc (ga)
Classification: Uncertain significance. Last evaluated: 2017-05-03. Review status: criteria provided, single submitter. Criteria: EGL Classification Definitions 2015. Collection method: clinical testing. Allele origin: germline. Observed: 1 variant allele, 1 heterozygote.

Natera, Inc.
Classification: Uncertain significance for Muscle-eye-brain disease. Last evaluated: 2020-02-29. Review status: no assertion criteria provided. Collection method: clinical testing. Allele origin: germline. Not counted in ClinVar's aggregate classification.